The following is an entry in ClinVar:

ClinVar aggregate classification (germline): Uncertain significance. Review status: criteria provided, multiple submitters, no conflicts (2 of 4 stars). 2 submissions from 2 submitters: Uncertain significance (2). Last evaluated 2025-03-01.

Conditions:
Inborn genetic diseases. Identifiers: MedGen C0950123, MeSH D030342.

gnomAD v4.1: 2 of 1,614,194 alleles (0.00012%); highest among the groups gnomAD compares: Non-Finnish European, 0.00017%; no homozygotes.

Submissions (2):

Ambry Genetics
Classification: Uncertain significance for Inborn genetic diseases. Last evaluated: 2025-03-01. Review status: criteria provided, single submitter. Criteria: Ambry Variant Classification Scheme 2023. Collection method: clinical testing. Allele origin: germline.

Labcorp Genetics (formerly Invitae), Labcorp
Classification: Uncertain significance. Last evaluated: 2024-06-16. Review status: criteria provided, single submitter. Criteria: Invitae Variant Classification Sherloc (09022015). Collection method: clinical testing. Allele origin: germline.
Comment: This sequence change replaces serine, which is neutral and polar, with phenylalanine, which is neutral and non-polar, at codon 55 of the SRCAP protein (p.Ser55Phe). This variant is not present in population databases (gnomAD no frequency). This variant has not been reported in the literature in individuals affected with SRCAP-related conditions. Advanced modeling of protein sequence and biophysical properties (such as structural, functional, and spatial information, amino acid conservation, physicochemical variation, residue mobility, and thermodynamic stability) performed at Invitae indicates that this missense variant is not expected to disrupt SRCAP protein function with a negative predictive value of 80%. In summary, the available evidence is currently insufficient to determine the role of this variant in disease. Therefore, it has been classified as a Variant of Uncertain Significance.

NM_006662.3(SRCAP):c.164C>T (p.Ser55Phe)

Gene: SRCAP (Snf2 related CREBBP activator protein; plus strand). Cytogenetic location: 16p11.2.
Variant type: single nucleotide variant.
Coding change: c.164C>T on transcript NM_006662.3 (MANE Select); coding-DNA position 164, C replaced by T.
Protein change: p.Ser55Phe; replaces serine 55 with phenylalanine.
Molecular consequence: missense variant.
Genome position (GRCh38, 1-based): chr16:30,704,173, C>T. VCF-style: chr16-30704173-C-T. GRCh37 (hg19) VCF-style: chr16-30715494-C-T.
Other names: c.164C>T (NM_006662.2); short protein forms S55F.
Identifiers: ClinVar variation 3717154 (VCV003717154.3).